The following is an entry in ClinVar:

ClinVar aggregate classification (germline): Conflicting classifications of pathogenicity. Review status: criteria provided, conflicting classifications (1 of 4 stars). 2 submissions from 2 submitters: Uncertain significance (1); Likely benign (1). Last evaluated 2025-08-20.

Conditions:
Inborn genetic diseases. Identifiers: MedGen C0950123, MeSH D030342.

Allele frequency attached by ClinVar (database versions not stated): gnomAD 0.00002; ExAC 0.00003; gnomAD exomes 0.00003 and 0.00004; TOPMed 0.00003; ESP Exome Variant Server 0.00008.
gnomAD v4.1: 42 of 1,613,320 alleles (0.0026%); highest among the groups gnomAD compares: Middle Eastern, 0.066%; no homozygotes.

Submissions (2):

Ambry Genetics
Classification: Likely benign for Inborn genetic diseases. Last evaluated: 2025-08-20. Review status: criteria provided, single submitter. Criteria: Ambry Variant Classification Scheme 2023. Collection method: clinical testing. Allele origin: germline.

Labcorp Genetics (formerly Invitae), Labcorp
Classification: Uncertain significance. Last evaluated: 2024-11-04. Review status: criteria provided, single submitter. Criteria: Invitae Variant Classification Sherloc (09022015). Collection method: clinical testing. Allele origin: germline.
Comment: This sequence change replaces isoleucine, which is neutral and non-polar, with threonine, which is neutral and polar, at codon 612 of the KIF2A protein (p.Ile612Thr). This variant is present in population databases (rs141548628, gnomAD 0.02%). This variant has not been reported in the literature in individuals affected with KIF2A-related conditions. ClinVar contains an entry for this variant (Variation ID: 1450929). An algorithm developed to predict the effect of missense changes on protein structure and function (PolyPhen-2) suggests that this variant is likely to be tolerated. In summary, the available evidence is currently insufficient to determine the role of this variant in disease. Therefore, it has been classified as a Variant of Uncertain Significance.

NM_001098511.3(KIF2A):c.1835T>C (p.Ile612Thr)

Gene: KIF2A (kinesin family member 2A; plus strand). Cytogenetic location: 5q12.1.
Variant type: single nucleotide variant.
Coding change: c.1835T>C on transcript NM_001098511.3 (MANE Select); coding-DNA position 1835, T replaced by C.
Protein change: p.Ile612Thr; replaces isoleucine 612 with threonine.
Molecular consequence: missense variant.
Genome position (GRCh38, 1-based): chr5:62,373,761, T>C. VCF-style: chr5-62373761-T-C. GRCh37 (hg19) VCF-style: chr5-61669588-T-C.
Other names: c.1640T>C, p.Ile547Thr (NM_001243952.2); c.1664T>C, p.Ile555Thr (NM_001243953.2); c.1721T>C, p.Ile574Thr (NM_004520.5); c.1835T>C (NM_001098511.2); short protein forms I612T, I547T, I555T, I574T.
Identifiers: ClinVar variation 1450929 (VCV001450929.8), dbSNP rs141548628, ClinGen allele CA3279063.